The following is an entry in ClinVar:

ClinVar aggregate classification (germline): Pathogenic (1 of 4 stars; one submission).

Conditions:
Polycystic kidney disease 2 (PKD2). Also called: POLYCYSTIC KIDNEY DISEASE, ADULT, TYPE II; Polycystic Kidney Disease 2, Autosomal Dominant; POLYCYSTIC KIDNEY DISEASE 2 WITH OR WITHOUT POLYCYSTIC LIVER DISEASE. Identifiers: MedGen C2751306, MONDO:0013131, OMIM 613095.

Submission:

Juno Genomics, Hangzhou Juno Genomics, Inc
Classification: Pathogenic for Polycystic kidney disease 2. Review status: criteria provided, single submitter. Criteria: ACMG Guidelines, 2015. Collection method: clinical testing. Allele origin: germline. Affected: yes.
Comment: Absent from controls (or at extremely low frequency if recessive) in Genome Aggregation Database, Exome Sequencing Project, 1000 Genomes Project, or Exome Aggregation Consortium.;The prevalence of the variant in affected individuals is significantly increased compared to the prevalence in controls.;Null variant in a gene where loss of function (LOF) is a known mechanism of disease.

NM_000297.4(PKD2):c.128del (p.Pro43fs)

Genes: PKD2 (polycystin 2, transient receptor potential cation channel; plus strand), LOC129992813 (ATAC-STARR-seq lymphoblastoid silent region 15559; plus strand). Cytogenetic location: 4q22.1.
Variant type: Deletion.
Coding change: c.128del on transcript NM_000297.4 (MANE Select); coding-DNA position 128, one base deleted (C; older notation c.128delC).
Protein change: p.Pro43fs; shifts the reading frame from proline 43.
Molecular consequence: frameshift variant. On other transcripts: non-coding transcript variant (1).
Genome position (GRCh38, 1-based): chr4:88,007,861, C deleted; the last of 4 consecutive C bases (chr4:88,007,858-88,007,861); deleting any one gives the same sequence. VCF-style (leftmost placement, unchanged base first): chr4-88007857-GC-G. GRCh37 (hg19) VCF-style: chr4-88929009-GC-G.
Other names: short protein forms P43fs.
Identifiers: ClinVar variation 3381864 (VCV003381864.2).